The following is an entry in ClinVar:

ClinVar aggregate classification (germline): Uncertain significance (1 of 4 stars; one submission).

Submission:

Labcorp Genetics (formerly Invitae), Labcorp
Classification: Uncertain significance. Last evaluated: 2023-07-10. Review status: criteria provided, single submitter. Criteria: Invitae Variant Classification Sherloc (09022015). Collection method: clinical testing. Allele origin: germline.
Comment: This sequence change replaces glutamine, which is neutral and polar, with lysine, which is basic and polar, at codon 1558 of the LAMC3 protein (p.Gln1558Lys). This variant is not present in population databases (gnomAD no frequency). This variant has not been reported in the literature in individuals affected with LAMC3-related conditions. ClinVar contains an entry for this variant (Variation ID: 2118542). Algorithms developed to predict the effect of missense changes on protein structure and function output the following: SIFT: "Not Available"; PolyPhen-2: "Benign"; Align-GVGD: "Not Available". The lysine amino acid residue is found in multiple mammalian species, which suggests that this missense change does not adversely affect protein function. In summary, the available evidence is currently insufficient to determine the role of this variant in disease. Therefore, it has been classified as a Variant of Uncertain Significance.

NM_006059.4(LAMC3):c.4672C>A (p.Gln1558Lys)

Gene: LAMC3 (laminin subunit gamma 3; plus strand). Cytogenetic location: 9q34.12.
Variant type: single nucleotide variant.
Coding change: c.4672C>A on transcript NM_006059.4 (MANE Select); coding-DNA position 4672, C replaced by A.
Protein change: p.Gln1558Lys; replaces glutamine 1558 with lysine.
Molecular consequence: missense variant.
Genome position (GRCh38, 1-based): chr9:131,091,731, C>A. VCF-style: chr9-131091731-C-A. GRCh37 (hg19) VCF-style: chr9-133967118-C-A.
Other names: short protein forms Q1558K.
Identifiers: ClinVar variation 2118542 (VCV002118542.4), dbSNP rs2538334247, ClinGen allele CA375267469.